The following is an entry in ClinVar:

NM_004946.3(DOCK2):c.1212C>A (p.Thr404=)

Gene: DOCK2 (dedicator of cytokinesis 2; plus strand). Cytogenetic location: 5q35.1.
Variant type: single nucleotide variant.
Coding change: c.1212C>A on transcript NM_004946.3 (MANE Select); coding-DNA position 1212, C replaced by A.
Protein change: p.Thr404=; no amino-acid change (threonine 404 retained).
Molecular consequence: synonymous variant. On other transcripts: non-coding transcript variant (1).
Genome position (GRCh38, 1-based): chr5:169,700,093, C>A. VCF-style: chr5-169700093-C-A. GRCh37 (hg19) VCF-style: chr5-169127097-C-A.
Other names: p.Thr404=; c.1212C>A (NM_004946.2).
Identifiers: ClinVar variation 1166024 (VCV001166024.16), dbSNP rs2112703, ClinGen allele CA3553397.
Genomic context (GRCh38, chr5:169,700,093, plus strand): 5'-GATGCTGGTGGGTGACATCATTCAGATTCGCAAGGACTATCCACACCTGGTGGACAGGAC[C>A]ACCGTGGTGGCCAGGAAGCTGGGATTCCCAGAGATCATCATGCCAGGTGAGACACAGCTG-3'
Protein context (NP_004937.1, residues 394-414): RKDYPHLVDR[Thr404=]TVVARKLGFP

ClinVar aggregate classification (germline): Benign. Review status: criteria provided, multiple submitters, no conflicts (2 of 4 stars). 5 submissions from 5 submitters: Benign (5). Last evaluated 2026-02-04.

Conditions:
DOCK2 deficiency. Also called: Immunodeficiency 40. Identifiers: Orphanet 447737, MedGen C4225328, MONDO:0014637, OMIM 616433.

Allele frequency attached by ClinVar (database versions not stated): TOPMed 0.14314; gnomAD exomes 0.16933 and 0.19846; 1000 Genomes Project 30x 0.11743; 1000 Genomes Project 0.12161; ExAC 0.16948; ESP Exome Variant Server 0.16193.
gnomAD v4.1: 312,864 of 1,613,808 alleles (19%); highest among the groups gnomAD compares: Non-Finnish European, 21%; 32,077 homozygotes.

Submissions (5):

Labcorp Genetics (formerly Invitae), Labcorp
Classification: Benign for DOCK2 deficiency. Last evaluated: 2026-02-04. Review status: criteria provided, single submitter. Criteria: Invitae Variant Classification Sherloc (09022015). Collection method: clinical testing. Allele origin: germline.

Women's Health and Genetics/Laboratory Corporation of America, LabCorp
Classification: Benign. Last evaluated: 2026-01-21. Review status: criteria provided, single submitter. Criteria: LabCorp Variant Classification Summary - May 2015. Collection method: clinical testing. Allele origin: germline.

Unidad de Genómica Garrahan, Hospital de Pediatría Garrahan
Classification: Benign. Last evaluated: 2024-01-24. Review status: criteria provided, single submitter. Criteria: ACMG Guidelines, 2015. Collection method: clinical testing. Allele origin: germline. Affected: no. Observed: 19 variant alleles.
Comment: This variant is classified as Benign based on local population frequency. This variant was detected in 20% of patients studied by a panel of primary immunodeficiencies. Number of patients: 19. Only high quality variants are reported.

Mayo Clinic Laboratories, Mayo Clinic
Classification: Benign. Last evaluated: 2022-09-06. Review status: criteria provided, single submitter. Criteria: ACMG Guidelines, 2015. Collection method: clinical testing. Allele origin: germline. Observed: 8 variant alleles.

Genome-Nilou Lab
Classification: Benign for DOCK2 deficiency. Last evaluated: 2021-07-30. Review status: criteria provided, single submitter. Criteria: ACMG Guidelines, 2015. Collection method: clinical testing. Allele origin: germline. Affected: no.